The following is an entry in ClinVar:

NM_001130004.2(ACTN1):c.328A>G (p.Ile110Val)

Gene: ACTN1 (actinin alpha 1; minus strand). Cytogenetic location: 14q24.1.
Variant type: single nucleotide variant.
Coding change: c.328A>G on transcript NM_001130004.2 (MANE Select); coding-DNA position 328, A replaced by G.
Protein change: p.Ile110Val; replaces isoleucine 110 with valine.
Molecular consequence: missense variant.
Genome position (GRCh38, 1-based): chr14:68,921,018, T>C on the plus strand (A>G on the coding strand, the complement: ACTN1 is on the minus strand). VCF-style: chr14-68921018-T-C. GRCh37 (hg19) VCF-style: chr14-69387735-T-C.
Other names: c.328A>G, p.Ile110Val (NM_001102.4, NM_001130005.2, NM_001411035.1); c.133A>G, p.Ile45Val (NM_001411036.1); short protein forms I45V, I110V.
Identifiers: ClinVar variation 1920112 (VCV001920112.6), dbSNP rs764096882, ClinGen allele CA7242750.

ClinVar aggregate classification (germline): Uncertain significance. Review status: criteria provided, multiple submitters, no conflicts (2 of 4 stars). 2 submissions from 2 submitters: Uncertain significance (2). Last evaluated 2025-06-25.

Conditions:
Inborn genetic diseases. Identifiers: MedGen C0950123, MeSH D030342.

Allele frequency attached by ClinVar (database versions not stated): ExAC 0.00001; gnomAD 0.00001; gnomAD exomes 0.00001.
gnomAD v4.1: 7 of 1,614,026 alleles (0.00043%); highest among the groups gnomAD compares: Admixed American, 0.0017%; no homozygotes.

Submissions (2):

Ambry Genetics
Classification: Uncertain significance for Inborn genetic diseases. Last evaluated: 2025-06-25. Review status: criteria provided, single submitter. Criteria: Ambry Variant Classification Scheme 2023. Collection method: clinical testing. Allele origin: germline.

Labcorp Genetics (formerly Invitae), Labcorp
Classification: Uncertain significance. Last evaluated: 2022-10-14. Review status: criteria provided, single submitter. Criteria: Invitae Variant Classification Sherloc (09022015). Collection method: clinical testing. Allele origin: germline.
Comment: This variant has not been reported in the literature in individuals affected with ACTN1-related conditions. This sequence change replaces isoleucine, which is neutral and non-polar, with valine, which is neutral and non-polar, at codon 110 of the ACTN1 protein (p.Ile110Val). This variant is present in population databases (rs764096882, gnomAD 0.003%). Advanced modeling of protein sequence and biophysical properties (such as structural, functional, and spatial information, amino acid conservation, physicochemical variation, residue mobility, and thermodynamic stability) performed at Invitae indicates that this missense variant is not expected to disrupt ACTN1 protein function. In summary, the available evidence is currently insufficient to determine the role of this variant in disease. Therefore, it has been classified as a Variant of Uncertain Significance.